The following is an entry in ClinVar:

NM_006231.4(POLE):c.4032G>C (p.Leu1344=)

Gene: POLE (DNA polymerase epsilon, catalytic subunit; minus strand). Cytogenetic location: 12q24.33.
Variant type: single nucleotide variant.
Coding change: c.4032G>C on transcript NM_006231.4 (MANE Select); coding-DNA position 4032, G replaced by C.
Protein change: p.Leu1344=; no amino-acid change (leucine 1344 retained).
Molecular consequence: synonymous variant.
Genome position (GRCh38, 1-based): chr12:132,649,046, C>G on the plus strand (G>C on the coding strand, the complement: POLE is on the minus strand). VCF-style: chr12-132649046-C-G. GRCh37 (hg19) VCF-style: chr12-133225632-C-G.
Other names: c.4032G>C (NM_006231.2, NM_006231.3).
Identifiers: ClinVar variation 1619453 (VCV001619453.10), dbSNP rs1310040745, ClinGen allele CA482729087.

ClinVar aggregate classification (germline): Likely benign. Review status: criteria provided, multiple submitters, no conflicts (2 of 4 stars). 3 submissions from 3 submitters: Likely benign (2). 1 of the submissions does not count toward it. Last evaluated 2026-09-13.

Conditions:
POLE-related disorder. Also called: POLE-related condition; POLE-related disorders.
Hereditary cancer-predisposing syndrome. Also called: Tumor predisposition; Hereditary neoplastic syndrome; Neoplastic Syndromes, Hereditary; Hereditary Cancer Syndrome. Identifiers: Orphanet 140162, MedGen C0027672, MeSH D009386, MONDO:0015356.

Submissions (3):

Ambry Genetics
Classification: Likely benign for Hereditary cancer-predisposing syndrome. Last evaluated: 2026-09-13. Review status: criteria provided, single submitter. Criteria: Ambry Variant Classification Scheme 2023. Collection method: clinical testing. Allele origin: germline.

Labcorp Genetics (formerly Invitae), Labcorp
Classification: Likely benign. Last evaluated: 2021-11-27. Review status: criteria provided, single submitter. Criteria: Invitae Variant Classification Sherloc (09022015). Collection method: clinical testing. Allele origin: germline.

PreventionGenetics, part of Exact Sciences
Classification: Likely benign for POLE-related condition. Last evaluated: 2024-08-23. Review status: no assertion criteria provided. Collection method: clinical testing. Allele origin: germline. Not counted in ClinVar's aggregate classification.
Comment: This variant is classified as likely benign based on ACMG/AMP sequence variant interpretation guidelines (Richards et al. 2015 PMID: 25741868, with internal and published modifications).